The following is an entry in ClinVar:

NM_002880.4(RAF1):c.604G>A (p.Gly202Ser)

Gene: RAF1 (Raf-1 proto-oncogene, serine/threonine kinase; minus strand). Cytogenetic location: 3p25.2.
Variant type: single nucleotide variant.
Coding change: c.604G>A on transcript NM_002880.4 (MANE Select); coding-DNA position 604, G replaced by A.
Protein change: p.Gly202Ser; replaces glycine 202 with serine.
Molecular consequence: missense variant. On other transcripts: non-coding transcript variant (3), intron variant (2).
Genome position (GRCh38, 1-based): chr3:12,606,277, C>T on the plus strand (G>A on the coding strand, the complement: RAF1 is on the minus strand). VCF-style: chr3-12606277-C-T. GRCh37 (hg19) VCF-style: chr3-12647776-C-T.
Other names: c.604G>A, p.Gly202Ser (NM_001354689.3, NM_001354690.3); c.361G>A, p.Gly121Ser (NM_001354691.3, NM_001354692.3, NM_001354694.3); c.339-1988G>A (NM_001354695.3); c.582-1988G>A (NM_001354693.3); short protein forms G121S, G202S.
Identifiers: ClinVar variation 2717910 (VCV002717910.4), dbSNP rs1575577589, ClinGen allele CA351514991.

ClinVar aggregate classification (germline): Uncertain significance. Review status: criteria provided, multiple submitters, no conflicts (2 of 4 stars). 2 submissions from 2 submitters: Uncertain significance (2). Last evaluated 2024-09-26.

Conditions:
Cardiovascular phenotype. Identifiers: MedGen CN230736.
RASopathy. Also called: rasopathies; Noonan spectrum disorder. Identifiers: Orphanet 536391, MedGen C5555857, MONDO:0021060.

Submissions (2):

Ambry Genetics
Classification: Uncertain significance for Cardiovascular phenotype. Last evaluated: 2024-09-26. Review status: criteria provided, single submitter. Criteria: Ambry Variant Classification Scheme 2023. Collection method: clinical testing. Allele origin: germline.
Comment: The p.G202S variant (also known as c.604G>A), located in coding exon 5 of the RAF1 gene, results from a G to A substitution at nucleotide position 604. The glycine at codon 202 is replaced by serine, an amino acid with similar properties. This amino acid position is highly conserved in available vertebrate species. In addition, this alteration is predicted to be tolerated by in silico analysis. Based on the available evidence, the clinical significance of this variant remains unclear.

Labcorp Genetics (formerly Invitae), Labcorp
Classification: Uncertain significance for RASopathy. Last evaluated: 2023-10-08. Review status: criteria provided, single submitter. Criteria: Invitae Variant Classification Sherloc (09022015). Collection method: clinical testing. Allele origin: germline.
Comment: This sequence change replaces glycine, which is neutral and non-polar, with serine, which is neutral and polar, at codon 202 of the RAF1 protein (p.Gly202Ser). This variant is not present in population databases (gnomAD no frequency). This variant has not been reported in the literature in individuals affected with RAF1-related conditions. Algorithms developed to predict the effect of missense changes on protein structure and function output the following: SIFT: "Not Available"; PolyPhen-2: "Benign"; Align-GVGD: "Not Available". The serine amino acid residue is found in multiple mammalian species, which suggests that this missense change does not adversely affect protein function. In summary, the available evidence is currently insufficient to determine the role of this variant in disease. Therefore, it has been classified as a Variant of Uncertain Significance.